The following is an entry in ClinVar:

ClinVar aggregate classification (germline): Conflicting classifications of pathogenicity. Review status: criteria provided, conflicting classifications (1 of 4 stars). 10 submissions from 9 submitters: Uncertain significance (5); Benign (1); Likely benign (2). 2 of the submissions do not count toward it. Last evaluated 2026-01-05.

Conditions:
Hereditary cancer-predisposing syndrome. Also called: Tumor predisposition; Hereditary neoplastic syndrome; Neoplastic Syndromes, Hereditary; Hereditary Cancer Syndrome. Identifiers: Orphanet 140162, MedGen C0027672, MeSH D009386, MONDO:0015356.
Familial cancer of breast. Also called: BREAST CANCER, FAMILIAL; Hereditary breast cancer; hereditary breast carcinoma. Identifiers: Orphanet 227535, MedGen C0346153, MONDO:0016419, OMIM 114480. Disease mechanism: loss of function.
Fanconi anemia complementation group J. Also called: BRIP1-Related Fanconi Anemia. Identifiers: Orphanet 84, MedGen C1836860, MONDO:0012187, OMIM 609054.
Ovarian cancer. Also called: OVARIAN CANCER, SOMATIC. Identifiers: Orphanet 213500, MedGen C1140680, MONDO:0008170, OMIM 167000.

Allele frequency attached by ClinVar (database versions not stated): gnomAD 0.00001; gnomAD exomes 0.00001 and 0.00003; TOPMed 0.00001; ExAC 0.00003.
gnomAD v4.1: 16 of 1,600,940 alleles (0.001%); highest among the groups gnomAD compares: South Asian, 0.0011%; no homozygotes.

Submissions (10):

Labcorp Genetics (formerly Invitae), Labcorp
Classification: Likely benign for Familial cancer of breast; Fanconi anemia complementation group J. Last evaluated: 2026-01-05. Review status: criteria provided, single submitter. Criteria: Invitae Variant Classification Sherloc (09022015). Collection method: clinical testing. Allele origin: germline.

Center for Genomic Medicine, Rigshospitalet, Copenhagen University Hospital
Classification: Likely benign. Last evaluated: 2025-03-04. Review status: criteria provided, single submitter. Criteria: ACMG Guidelines, 2015. Collection method: clinical testing. Allele origin: germline.

Color Diagnostics, LLC DBA Color Health
Classification: Uncertain significance for Hereditary cancer-predisposing syndrome. Last evaluated: 2025-03-04. Review status: criteria provided, single submitter. Criteria: ACMG Guidelines, 2015. Collection method: clinical testing. Allele origin: germline.
Comment: This variant causes an A>G nucleotide substitution at the +6 position of intron 10 of the BRIP1 gene. Splice site prediction tools predict that this variant may not have a significant impact on RNA splicing. To our knowledge, RNA studies have not been performed for this variant. This variant has not been reported in individuals affected with hereditary cancer in the literature. This variant has been identified in 7/235660 chromosomes in the general population by the Genome Aggregation Database (gnomAD). The available evidence is insufficient to determine the role of this variant in disease conclusively. Therefore, this variant is classified as a Variant of Uncertain Significance.

Myriad Genetics, Inc.
Classification: Uncertain significance for Familial cancer of breast. Last evaluated: 2023-03-01. Review status: criteria provided, single submitter. Criteria: Myriad Autosomal Dominant, Autosomal Recessive and X-Linked Classification Criteria (2023). Collection method: clinical testing. Allele origin: unknown.
Comment: This variant is classified as a variant of uncertain significance as there is insufficient evidence to determine its impact on protein function and/or cancer risk.

Sema4
Classification: Uncertain significance for Hereditary cancer-predisposing syndrome. Last evaluated: 2022-02-08. Review status: criteria provided, single submitter. Criteria: Sema4 Curation Guidelines. Collection method: curation. Allele origin: germline.
Comment: The BRIP1 c.1473+6A>G variant has not been reported in the literature to our knowledge. It was observed in 6/9648 chromosomes in the Ashkenazi Jewish subpopulation in the large and broad cohorts of the Genome Aggregation Database (PMID: 32461654). The variant has been reported in ClinVar (Variation ID: 136143). In silico tools suggest the variant may create an alternate splice site, though these predictions have not been confirmed by functional studies. The evidence is insufficient to meet ACMG/AMP criteria for classifying the variant as benign or pathogenic. Thus, the clinical significance of this variant is currently uncertain.

Genetic Services Laboratory, University of Chicago
Classification: Uncertain significance. Last evaluated: 2021-11-19. Review status: criteria provided, single submitter. Criteria: ACMG Guidelines, 2015. Collection method: clinical testing. Allele origin: germline. Affected: no.
Comment: DNA sequence analysis of the BRIP1 gene demonstrated a sequence change in intron 10, c.1473+6A>G. This sequence change has been described in the gnomAD database with a frequency of 0.06% in the Ashkenazi Jewish subpopulation (dbSNP rs587780827). Based on in-silico splice prediction programs, this sequence change may affect normal splicing of the BRIP1 gene, which would result in an abnormal protein, however functional studies have not been performed to prove this conclusively. This change does not appear to have been previously described in individuals with BRIP1-related disorders. It is possible that this sequence change represents a benign sequence change in the BRIP1 gene that has not been identified to date. The functional significance of this sequence change is not known at present and its contribution to this individual's disease phenotype cannot definitively be determined.

Mendelics
Classification: Uncertain significance for Fanconi anemia, complementation group J. Last evaluated: 2018-07-02. Review status: criteria provided, single submitter. Criteria: Mendelics Assertion Criteria 2017. Collection method: clinical testing. Allele origin: unknown.

GeneDx
Classification: Benign. Last evaluated: 2015-08-17. Review status: criteria provided, single submitter. Criteria: GeneDx Variant Classification Process June 2021. Collection method: clinical testing. Allele origin: germline. Affected: yes.

Counsyl
Classification: Uncertain significance for Fanconi anemia complementation group J. Last evaluated: 2016-07-08. Review status: no assertion criteria provided. Collection method: clinical testing. Allele origin: unknown. Not counted in ClinVar's aggregate classification.

Counsyl
Classification: Uncertain significance for Ovarian cancer. Last evaluated: 2016-07-08. Review status: no assertion criteria provided. Collection method: clinical testing. Allele origin: unknown. Not counted in ClinVar's aggregate classification.

NM_032043.3(BRIP1):c.1473+6A>G

Gene: BRIP1 (BRCA1 interacting DNA helicase 1; minus strand). Cytogenetic location: 17q23.2.
Variant type: single nucleotide variant.
Coding change: c.1473+6A>G on transcript NM_032043.3 (MANE Select); 6 bases into the intron after coding-DNA position 1473, A replaced by G.
Molecular consequence: intron variant.
Genome position (GRCh38, 1-based): chr17:61,793,591, T>C on the plus strand (A>G on the coding strand, the complement: BRIP1 is on the minus strand). VCF-style: chr17-61793591-T-C. GRCh37 (hg19) VCF-style: chr17-59870952-T-C.
Identifiers: ClinVar variation 136143 (VCV000136143.36), dbSNP rs587780827, ClinGen allele CA332986.